The following is an entry in ClinVar:

ClinVar aggregate classification (germline): Conflicting classifications of pathogenicity. Review status: criteria provided, conflicting classifications (1 of 4 stars). 3 submissions from 3 submitters: Uncertain significance (1); Likely benign (1). 1 of the submissions does not count toward it. Last evaluated 2026-04-24.

Conditions:
KMT2D-related disorder. Also called: KMT2D-Related Disorders.
Inborn genetic diseases. Identifiers: MedGen C0950123, MeSH D030342.

Allele frequency attached by ClinVar (database versions not stated): gnomAD exomes 0.00001; gnomAD 0.00002; TOPMed 0.00002.
gnomAD v4.1: 16 of 1,613,544 alleles (0.00099%); highest among the groups gnomAD compares: African/African-American, 0.0053%; no homozygotes.

Submissions (3):

Ambry Genetics
Classification: Uncertain significance for Inborn genetic diseases. Last evaluated: 2026-04-24. Review status: criteria provided, single submitter. Criteria: Ambry Variant Classification Scheme 2023. Collection method: clinical testing. Allele origin: germline.
Comment: The c.4964-5C>T intronic alteration consists of a C to T substitution 5 nucleotides before coding exon 20 in the KMT2D gene. This variant was not reported in population-based cohorts in the Genome Aggregation Database (gnomAD). Based on insufficient or conflicting evidence, the clinical significance of this alteration remains unclear.

CeGaT Center for Human Genetics Tuebingen
Classification: Likely benign. Last evaluated: 2022-11-01. Review status: criteria provided, single submitter. Criteria: CeGaT Center For Human Genetics Tuebingen Variant Classification Criteria Version 2. Collection method: clinical testing. Allele origin: germline. Affected: yes. Observed: 1 variant allele.
Comment: KMT2D: BP4

PreventionGenetics, part of Exact Sciences
Classification: Likely benign for KMT2D-related condition. Last evaluated: 2021-12-30. Review status: no assertion criteria provided. Collection method: clinical testing. Allele origin: germline. Not counted in ClinVar's aggregate classification.
Comment: This variant is classified as likely benign based on ACMG/AMP sequence variant interpretation guidelines (Richards et al. 2015 PMID: 25741868, with internal and published modifications).

NM_003482.4(KMT2D):c.4964-5C>T

Gene: KMT2D (lysine methyltransferase 2D; minus strand). Cytogenetic location: 12q13.12.
Variant type: single nucleotide variant.
Coding change: c.4964-5C>T on transcript NM_003482.4 (MANE Select); 5 bases into the intron before coding-DNA position 4964, C replaced by T.
Molecular consequence: intron variant.
Genome position (GRCh38, 1-based): chr12:49,044,527, G>A on the plus strand (C>T on the coding strand, the complement: KMT2D is on the minus strand). VCF-style: chr12-49044527-G-A. GRCh37 (hg19) VCF-style: chr12-49438310-G-A.
Other names: c.4964-5C>T (NM_003482.3).
Identifiers: ClinVar variation 2642958 (VCV002642958.26), dbSNP rs1470464160, ClinGen allele CA689539403.